The following is an entry in ClinVar:

ClinVar aggregate classification (germline): Uncertain significance. Review status: criteria provided, multiple submitters, no conflicts (2 of 4 stars). 2 submissions from 2 submitters: Uncertain significance (2). Last evaluated 2025-06-14.

Conditions:
Multiple endocrine neoplasia, type 2 (MEN2). Identifiers: Orphanet 653, MedGen C4048306, MONDO:0019003. Disease mechanism: gain of function.
Hereditary cancer-predisposing syndrome. Also called: Neoplastic Syndromes, Hereditary; Hereditary Cancer Syndrome; Tumor predisposition; Hereditary neoplastic syndrome. Identifiers: Orphanet 140162, MedGen C0027672, MeSH D009386, MONDO:0015356.

Submissions (2):

Ambry Genetics
Classification: Uncertain significance for Hereditary cancer-predisposing syndrome. Last evaluated: 2025-06-14. Review status: criteria provided, single submitter. Criteria: Ambry Variant Classification Scheme 2023. Collection method: clinical testing. Allele origin: germline.
Comment: The p.F655V variant (also known as c.1963T>G), located in coding exon 11 of the RET gene, results from a T to G substitution at nucleotide position 1963. The phenylalanine at codon 655 is replaced by valine, an amino acid with highly similar properties. This amino acid position is conserved. In addition, the in silico prediction for this alteration is inconclusive. Based on the available evidence, the clinical significance of this variant remains unclear.

Labcorp Genetics (formerly Invitae), Labcorp
Classification: Uncertain significance for Multiple endocrine neoplasia, type 2. Last evaluated: 2023-08-01. Review status: criteria provided, single submitter. Criteria: Invitae Variant Classification Sherloc (09022015). Collection method: clinical testing. Allele origin: germline.
Comment: ClinVar contains an entry for this variant (Variation ID: 945938). This sequence change replaces phenylalanine, which is neutral and non-polar, with valine, which is neutral and non-polar, at codon 655 of the RET protein (p.Phe655Val). This variant is not present in population databases (gnomAD no frequency). This variant has not been reported in the literature in individuals affected with RET-related conditions. Algorithms developed to predict the effect of missense changes on protein structure and function output the following: SIFT: "Not Available"; PolyPhen-2: "Benign"; Align-GVGD: "Not Available". The valine amino acid residue is found in multiple mammalian species, which suggests that this missense change does not adversely affect protein function. In summary, the available evidence is currently insufficient to determine the role of this variant in disease. Therefore, it has been classified as a Variant of Uncertain Significance.

NM_020975.6(RET):c.1963T>G (p.Phe655Val)

Gene: RET (ret proto-oncogene; plus strand). Cytogenetic location: 10q11.21.
Variant type: single nucleotide variant.
Coding change: c.1963T>G on transcript NM_020975.6 (MANE Select); coding-DNA position 1963, T replaced by G.
Protein change: p.Phe655Val; replaces phenylalanine 655 with valine.
Molecular consequence: missense variant.
Genome position (GRCh38, 1-based): chr10:43,114,563, T>G. VCF-style: chr10-43114563-T-G. GRCh37 (hg19) VCF-style: chr10-43610011-T-G.
Other names: c.1963T>G, p.Phe655Val (NM_000323.2, NM_001406743.1, NM_001406744.1 and 4 more transcripts); c.1201T>G, p.Phe401Val (NM_001355216.2); c.1834T>G, p.Phe612Val (NM_001406761.1, NM_001406762.1, NM_001406764.1); c.1675T>G, p.Phe559Val (NM_001406766.1, NM_001406767.1, NM_001406770.1); c.1567T>G, p.Phe523Val (NM_001406769.1, NM_001406772.1); c.1525T>G, p.Phe509Val (NM_001406771.1, NM_001406773.1); c.1438T>G, p.Phe480Val (NM_001406774.1); c.1237T>G, p.Phe413Val (NM_001406775.1, NM_001406776.1, NM_001406777.1 and 1 more transcripts); and 7 more; short protein forms F655V, F401V, F260V, F313V, F480V, F509V, F559V, F172V.
Identifiers: ClinVar variation 945938 (VCV000945938.11), dbSNP rs756978792, ClinGen allele CA376553023.